The following is an entry in ClinVar:

ClinVar aggregate classification (germline): Benign (0 of 4 stars; one submission).

Conditions:
PEAK1-related disorder. Also called: PEAK1-related condition.

Allele frequency attached by ClinVar (database versions not stated): gnomAD 0.00089; gnomAD exomes 0.00095; TOPMed 0.00100; ExAC 0.00210; 1000 Genomes Project 30x 0.00422; 1000 Genomes Project 0.00439.
gnomAD v4.1: 1,522 of 1,614,170 alleles (0.094%); highest among the groups gnomAD compares: East Asian, 2.9%; 23 homozygotes.

Submission:

PreventionGenetics, part of Exact Sciences
Classification: Benign for PEAK1-related condition. Last evaluated: 2024-03-14. Review status: no assertion criteria provided. Collection method: clinical testing. Allele origin: germline.
Comment: This variant is classified as benign based on ACMG/AMP sequence variant interpretation guidelines (Richards et al. 2015 PMID: 25741868, with internal and published modifications).

NM_001385026.1(PEAK1):c.3229A>C (p.Thr1077Pro)

Gene: PEAK1 (pseudopodium enriched atypical kinase 1; minus strand). Cytogenetic location: 15q24.3.
Variant type: single nucleotide variant.
Coding change: c.3229A>C on transcript NM_001385026.1 (MANE Select); coding-DNA position 3229, A replaced by C.
Protein change: p.Thr1077Pro; replaces threonine 1077 with proline.
Molecular consequence: missense variant.
Genome position (GRCh38, 1-based): chr15:77,158,605, T>G on the plus strand (A>C on the coding strand, the complement: PEAK1 is on the minus strand). VCF-style: chr15-77158605-T-G. GRCh37 (hg19) VCF-style: chr15-77450947-T-G.
Other names: c.3229A>C, p.Thr1077Pro (NM_001387085.1, NM_001387086.1, NM_024776.5); short protein forms T1077P.
Identifiers: ClinVar variation 3048507 (VCV003048507.2), dbSNP rs56133554, ClinGen allele CA7676829.
Genomic context (GRCh38, chr15:77,158,605, plus strand): 5'-GATCTGAAATGTCTTCTTTTCCATCTTCCCTTTCCAGTTCAGGTAGGGACAATGCTGTTG[T>G]GACTGAAGTGCAGCCCCTGCCATCTTGCTTCCCAACAACAGTTCTTGGATCCCGAGGAGA-3'
Protein context (NP_001371955.1, residues 1067-1087): KQDGRGCTSV[Thr1077Pro]TALSLPELER